The following is an entry in ClinVar:

NM_001184.4(ATR):c.3450+5G>A

Gene: ATR (ATR checkpoint kinase; minus strand). Cytogenetic location: 3q23.
Variant type: single nucleotide variant.
Coding change: c.3450+5G>A on transcript NM_001184.4 (MANE Select); 5 bases into the intron after coding-DNA position 3450, G replaced by A.
Molecular consequence: intron variant.
Genome position (GRCh38, 1-based): chr3:142,542,660, C>T on the plus strand (G>A on the coding strand, the complement: ATR is on the minus strand). VCF-style: chr3-142542660-C-T. GRCh37 (hg19) VCF-style: chr3-142261502-C-T.
Other names: c.3258+5G>A (NM_001354579.2).
Identifiers: ClinVar variation 1016309 (VCV001016309.6), dbSNP rs2034095687, ClinGen allele CA1407021233.

ClinVar aggregate classification (germline): Uncertain significance (1 of 4 stars; one submission).

gnomAD v4.1: 1 of 1,609,164 alleles (0.000062%); highest among the groups gnomAD compares: Non-Finnish European, 0.000085%; no homozygotes.

Submission:

Labcorp Genetics (formerly Invitae), Labcorp
Classification: Uncertain significance. Last evaluated: 2020-02-19. Review status: criteria provided, single submitter. Criteria: Invitae Variant Classification Sherloc (09022015). Collection method: clinical testing. Allele origin: germline.
Comment: This sequence change falls in intron 17 of the ATR gene. It does not directly change the encoded amino acid sequence of the ATR protein, but it affects a nucleotide within the consensus splice site of the intron. This variant is not present in population databases (ExAC no frequency). This variant has not been reported in the literature in individuals with ATR-related conditions. Nucleotide substitutions within the consensus splice site are a relatively common cause of aberrant splicing (PMID: 17576681, 9536098). Algorithms developed to predict the effect of sequence changes on RNA splicing suggest that this variant may disrupt the consensus splice site, but this prediction has not been confirmed by published transcriptional studies. In summary, the available evidence is currently insufficient to determine the role of this variant in disease. Therefore, it has been classified as a Variant of Uncertain Significance.

Literature cited by the submitters: PubMed 17576681; PubMed 9536098.